The following is an entry in ClinVar:

NM_000238.4(KCNH2):c.1525G>A (p.Asp509Asn)

Gene: KCNH2 (potassium voltage-gated channel subfamily H member 2; minus strand). Cytogenetic location: 7q36.1.
Variant type: single nucleotide variant.
Coding change: c.1525G>A on transcript NM_000238.4 (MANE Select); coding-DNA position 1525, G replaced by A.
Protein change: p.Asp509Asn; replaces aspartic acid 509 with asparagine.
Molecular consequence: missense variant.
Genome position (GRCh38, 1-based): chr7:150,952,457, C>T on the plus strand (G>A on the coding strand, the complement: KCNH2 is on the minus strand). VCF-style: chr7-150952457-C-T. GRCh37 (hg19) VCF-style: chr7-150649545-C-T.
Other names: c.505G>A, p.Asp169Asn (NM_001204798.2, NM_172057.3); c.1237G>A, p.Asp413Asn (NM_001406753.1, NM_001406756.1); c.1348G>A, p.Asp450Asn (NM_001406755.1); c.1225G>A, p.Asp409Asn (NM_001406757.1); c.1525G>A, p.Asp509Asn (NM_172056.3); short protein forms D169N, D509N, D413N, D409N, D450N.
Identifiers: ClinVar variation 200354 (VCV000200354.22), dbSNP rs370637245, ClinGen allele CA004769.
Genomic context (GRCh38, chr7:150,952,457, plus strand): 5'-ACACCACCTGCCTCCTTGCTGACCCCACCTCCTCAGAGCCAGAGCCGAAGATGAGCAGGT[C>T]GAAGGGGATGGCGGCCACCATGTCGATGAGGAACCAGCCCTTGAAGTAGTGGACGGCGAT-3'
Protein context (NP_000229.1, residues 499-519): LIDMVAAIPF[Asp509Asn]LLIFGSGSEE

ClinVar aggregate classification (germline): Conflicting classifications of pathogenicity. Review status: criteria provided, conflicting classifications (1 of 4 stars). 7 submissions from 7 submitters: Likely pathogenic (2); Uncertain significance (5). Last evaluated 2024-09-06.

Conditions:
Cardiovascular phenotype. Identifiers: MedGen CN230736.
Cardiac arrhythmia. Also called: Cardiac rhythm disease; Arrhythmia. Identifiers: MedGen C0003811, MONDO:0007263, HP:0011675.
Long QT syndrome 2 (LQT2). Identifiers: Orphanet 101016, Orphanet 768, MedGen C3150943, MONDO:0013367, OMIM 613688.
Short QT syndrome type 1. Identifiers: Orphanet 51083, MedGen C1865020, MONDO:0012312, OMIM 609620.
Long QT syndrome (LQTS). Identifiers: MedGen C0023976, MeSH D008133, MONDO:0002442. Disease mechanism: loss of function. Inheritance: Various modes of inheritance.

Allele frequency attached by ClinVar (database versions not stated): gnomAD exomes below 0.00001; ExAC 0.00001; TOPMed 0.00002; ESP Exome Variant Server 0.00008.

Submissions (7):

Ambry Genetics
Classification: Uncertain significance for Cardiovascular phenotype. Last evaluated: 2024-09-06. Review status: criteria provided, single submitter. Criteria: Ambry Variant Classification Scheme 2023. Collection method: clinical testing. Allele origin: germline.
Comment: The p.D509N variant (also known as c.1525G>A), located in coding exon 6 of the KCNH2 gene, results from a G to A substitution at nucleotide position 1525. The aspartic acid at codon 509 is replaced by asparagine, an amino acid with highly similar properties. This alteration has been reported in arrhythmia genetic testing cohorts (Lieve KV et al. Genet Test Mol Biomarkers, 2013 Jul;17:553-61; Rieder M et al. Front Cardiovasc Med, 2022 Jul;9:916036; Sarquella-Brugada G et al. Hum Genet, 2022 Oct;141:1579-1589). This amino acid position is highly conserved in available vertebrate species. In addition, this alteration is predicted to be deleterious by in silico analysis. Based on the available evidence, the clinical significance of this variant remains unclear.

Labcorp Genetics (formerly Invitae), Labcorp
Classification: Uncertain significance for Long QT syndrome. Last evaluated: 2024-05-23. Review status: criteria provided, single submitter. Criteria: Invitae Variant Classification Sherloc (09022015). Collection method: clinical testing. Allele origin: germline.
Comment: This sequence change replaces aspartic acid, which is acidic and polar, with asparagine, which is neutral and polar, at codon 509 of the KCNH2 protein (p.Asp509Asn). This variant is present in population databases (rs370637245, gnomAD 0.0009%). This missense change has been observed in individual(s) with clinical features of KCNH2-related conditions (PMID: 23631430, 31737537, 34546463). ClinVar contains an entry for this variant (Variation ID: 200354). An algorithm developed to predict the effect of missense changes on protein structure and function (PolyPhen-2) suggests that this variant is likely to be disruptive. In summary, the available evidence is currently insufficient to determine the role of this variant in disease. Therefore, it has been classified as a Variant of Uncertain Significance.

All of Us Research Program, National Institutes of Health
Classification: Uncertain significance for Long QT syndrome. Last evaluated: 2024-01-03. Review status: criteria provided, single submitter. Criteria: ACMG Guidelines, 2015. Collection method: clinical testing. Allele origin: germline. Inheritance: Autosomal dominant inheritance. Observed: 1 variant allele, 1 heterozygote.
Comment: This missense variant replaces aspartic acid with asparagine at codon 509 of the KCNH2 protein. Computational prediction tools indicate that this variant has a deleterious impact on protein structure and function. This variant is found within a highly conserved pore region (a.a. 404-659). Rare non-truncating variants in this region have been shown to be significantly overrepresented in individuals with long QT syndrome (PMID: 32893267). To our knowledge, functional studies have not been reported for this variant. This variant has been reported in three individuals affected with long QT syndrome (PMID: 34546463, 35911527; ClinVar: SCV000805146.1) and in another individual suspected of having long QT syndrome (PMID: 23631430). This variant has been identified in 1/251370 chromosomes in the general population by the Genome Aggregation Database (gnomAD). The available evidence is insufficient to determine the role of this variant in disease conclusively. Therefore, this variant is classified as a Variant of Uncertain Significance.

This study involves interpretation of variants in research participants for the purpose of population health screening. Participant phenotype was not available at the time of variant classification. Additional details can be found in publication PMID: 35346344, PMCID: PMC8962531

Color Diagnostics, LLC DBA Color Health
Classification: Uncertain significance for Cardiac arrhythmia. Last evaluated: 2023-12-15. Review status: criteria provided, single submitter. Criteria: ACMG Guidelines, 2015. Collection method: clinical testing. Allele origin: germline.
Comment: This missense variant replaces aspartic acid with asparagine at codon 509 of the KCNH2 protein. Computational prediction tools indicate that this variant has a deleterious impact on protein structure and function. This variant is found within a highly conserved pore region (a.a. 404-659). Rare non-truncating variants in this region have been shown to be significantly overrepresented in individuals with long QT syndrome (PMID: 32893267). To our knowledge, functional studies have not been reported for this variant. This variant has been reported in three individuals affected with long QT syndrome (PMID: 34546463, 35911527; ClinVar: SCV000805146.1) and in another individual suspected of having long QT syndrome (PMID: 23631430). This variant has been identified in 1/251370 chromosomes in the general population by the Genome Aggregation Database (gnomAD). The available evidence is insufficient to determine the role of this variant in disease conclusively. Therefore, this variant is classified as a Variant of Uncertain Significance.

AiLife Diagnostics
Classification: Uncertain significance. Last evaluated: 2021-12-03. Review status: criteria provided, single submitter. Criteria: ACMG Guidelines, 2015. Collection method: clinical testing. Allele origin: germline. Affected: yes. Observed: 2 variant alleles.

MVZ Martinsried, Medicover Genetics
Classification: Likely pathogenic for Long QT syndrome 2. Last evaluated: 2018-02-17. Review status: criteria provided, single submitter. Criteria: ACMG Guidelines, 2015. Collection method: clinical testing. Allele origin: unknown. Affected: yes.

Juno Genomics, Hangzhou Juno Genomics, Inc
Classification: Likely pathogenic for Long QT syndrome 2; Short QT syndrome type 1. Review status: criteria provided, single submitter. Criteria: ACMG Guidelines, 2015. Collection method: clinical testing. Allele origin: germline.
Comment: Absent from controls (or at extremely low frequency if recessive) in Genome Aggregation Database.;Multiple lines of computational evidence support a deleterious effect on the gene or gene product.;The prevalence of the variant in affected individuals is significantly increased compared to the prevalence in controls.

Literature cited by the submitters: PubMed 23631430 (cited by 5 submitters); PubMed 34546463 (cited by 4 submitters); PubMed 35911527 (cited by 3 submitters); PubMed 31737537 (cited by Labcorp Genetics (formerly Invitae), Labcorp and AiLife Diagnostics); PubMed 32893267 (cited by All of Us Research Program, National Institutes of Health and Color Diagnostics, LLC DBA Color Health).